The following is an entry in ClinVar:

NM_152383.5(DIS3L2):c.2178C>A (p.Asp726Glu)

Gene: DIS3L2 (DIS3 like 3'-5' exoribonuclease 2; plus strand). Cytogenetic location: 2q37.1.
Variant type: single nucleotide variant.
Coding change: c.2178C>A on transcript NM_152383.5 (MANE Select); coding-DNA position 2178, C replaced by A.
Protein change: p.Asp726Glu; replaces aspartic acid 726 with glutamic acid.
Molecular consequence: missense variant. On other transcripts: non-coding transcript variant (2), intron variant (1).
Genome position (GRCh38, 1-based): chr2:232,334,388, C>A. VCF-style: chr2-232334388-C-A. GRCh37 (hg19) VCF-style: chr2-233199098-C-A.
Other names: c.1582-8957C>A (NM_001257281.2); short protein forms D726E.
Identifiers: ClinVar variation 956564 (VCV000956564.10), dbSNP rs1432948127, ClinGen allele CA350977646.

ClinVar aggregate classification (germline): Uncertain significance. Review status: criteria provided, multiple submitters, no conflicts (2 of 4 stars). 2 submissions from 2 submitters: Uncertain significance (2). Last evaluated 2025-06-25.

Conditions:
Perlman syndrome (PRLMNS). Identifiers: Orphanet 2849, MedGen C0796113, MONDO:0009965, OMIM 267000.
DIS3L2-related disorder. Also called: DIS3L2-related condition.

Allele frequency attached by ClinVar (database versions not stated): gnomAD 0.00001.
gnomAD v4.1: 2 of 1,613,542 alleles (0.00012%); highest among the groups gnomAD compares: African/African-American, 0.0027%; no homozygotes.

Submissions (2):

Labcorp Genetics (formerly Invitae), Labcorp
Classification: Uncertain significance for Perlman syndrome. Last evaluated: 2025-06-25. Review status: criteria provided, single submitter. Criteria: Invitae Variant Classification Sherloc (09022015). Collection method: clinical testing. Allele origin: germline.
Comment: This sequence change replaces aspartic acid, which is acidic and polar, with glutamic acid, which is acidic and polar, at codon 726 of the DIS3L2 protein (p.Asp726Glu). This variant is present in population databases (no rsID available, gnomAD 0.02%). This variant has not been reported in the literature in individuals affected with DIS3L2-related conditions. ClinVar contains an entry for this variant (Variation ID: 956564). Invitae Evidence Modeling of protein sequence and biophysical properties (such as structural, functional, and spatial information, amino acid conservation, physicochemical variation, residue mobility, and thermodynamic stability) indicates that this missense variant is not expected to disrupt DIS3L2 protein function with a negative predictive value of 80%. In summary, the available evidence is currently insufficient to determine the role of this variant in disease. Therefore, it has been classified as a Variant of Uncertain Significance.

PreventionGenetics, part of Exact Sciences
Classification: Uncertain significance for DIS3L2-related condition. Last evaluated: 2023-09-29. Review status: criteria provided, single submitter. Criteria: ACMG Guidelines, 2015. Collection method: clinical testing. Allele origin: germline.
Comment: The DIS3L2 c.2178C>A variant is predicted to result in the amino acid substitution p.Asp726Glu. To our knowledge, this variant has not been reported in the literature. This variant is reported in 0.023% of alleles in individuals of African descent in gnomAD; and, it is interpreted as a variant of uncertain significance in ClinVar. At this time, the clinical significance of this variant is uncertain due to the absence of conclusive functional and genetic evidence.